The following is an entry in ClinVar:

NM_000038.6(APC):c.1545C>G (p.Asn515Lys)

Gene: APC (APC regulator of Wnt signaling pathway; plus strand). Cytogenetic location: 5q22.2.
Variant type: single nucleotide variant.
Coding change: c.1545C>G on transcript NM_000038.6 (MANE Select); coding-DNA position 1545, C replaced by G.
Protein change: p.Asn515Lys; replaces asparagine 515 with lysine.
Molecular consequence: missense variant.
Genome position (GRCh38, 1-based): chr5:112,827,244, C>G. VCF-style: chr5-112827244-C-G. GRCh37 (hg19) VCF-style: chr5-112162941-C-G.
Other names: c.1545C>G, p.Asn515Lys (NM_001354895.2, NM_001127510.3, NM_001407450.1); c.1599C>G, p.Asn533Lys (NM_001354896.2, NM_001407447.1, NM_001407448.1 and 1 more transcripts); c.1491C>G, p.Asn497Lys (NM_001127511.3); c.1575C>G, p.Asn525Lys (NM_001354897.2); c.1470C>G, p.Asn490Lys (NM_001354898.2); c.1461C>G, p.Asn487Lys (NM_001354899.2); c.1422C>G, p.Asn474Lys (NM_001354900.2); c.1368C>G, p.Asn456Lys (NM_001354901.2, NM_001407453.1); and 11 more; short protein forms N131K, N232K, N355K, N386K, N389K, N414K, N424K, N432K.
Identifiers: ClinVar variation 4801446 (VCV004801446.1).
Genomic context (GRCh38, chr5:112,827,244, plus strand): 5'-TACACTAAGACGATATGCTGGAATGGCTTTGACAAACTTGACTTTTGGAGATGTAGCCAA[C>G]AAGGTATGTTTTTATAACATGTATTTCTTAAGATAGCTCAGGTATGAGTTAATTTACTTT-3'
Protein context (NP_000029.2, residues 505-525): LTNLTFGDVA[Asn515Lys]KATLCSMKGC

ClinVar aggregate classification (germline): Uncertain significance (1 of 4 stars; one submission).

Conditions:
Familial adenomatous polyposis 1 (FAP1). Also called: FAMILIAL ADENOMATOUS POLYPOSIS 1, ATTENUATED; POLYPOSIS, ADENOMATOUS INTESTINAL. Identifiers: MedGen C2713442, MONDO:0021056, OMIM 175100. Disease mechanism: loss of function.

Submission:

Labcorp Genetics (formerly Invitae), Labcorp
Classification: Uncertain significance for Familial adenomatous polyposis 1. Last evaluated: 2026-01-01. Review status: criteria provided, single submitter. Criteria: Invitae Variant Classification Sherloc (09022015). Collection method: clinical testing. Allele origin: germline.
Comment: This sequence change replaces asparagine, which is neutral and polar, with lysine, which is basic and polar, at codon 515 of the APC protein (p.Asn515Lys). This variant is not present in population databases (gnomAD no frequency). This variant has not been reported in the literature in individuals affected with APC-related conditions. Invitae Evidence Modeling of protein sequence and biophysical properties (such as structural, functional, and spatial information, amino acid conservation, physicochemical variation, residue mobility, and thermodynamic stability) indicates that this missense variant is not expected to disrupt APC protein function with a negative predictive value of 95%. In summary, the available evidence is currently insufficient to determine the role of this variant in disease. Therefore, it has been classified as a Variant of Uncertain Significance.